The following is an entry in ClinVar:

ClinVar aggregate classification (germline): Benign/Likely benign. Review status: criteria provided, multiple submitters, no conflicts (2 of 4 stars). 8 submissions from 8 submitters: Benign (4); Likely benign (4). Last evaluated 2026-04-01.

Conditions:
Early-infantile DEE. Also called: Early infantile epileptic encephalopathy; Early infantile epileptic encephalopathy with suppression bursts; Ohtahara syndrome. Identifiers: Orphanet 1934, MedGen C0393706, MONDO:0800491.
Inborn genetic diseases. Identifiers: MedGen C0950123, MeSH D030342.

Allele frequency attached by ClinVar (database versions not stated): gnomAD exomes 0.00014 and 0.00036; ExAC 0.00051; 1000 Genomes Project 0.00140; gnomAD 0.00162 and 0.00175; TOPMed 0.00168; 1000 Genomes Project 30x 0.00187; ESP Exome Variant Server 0.00215.
gnomAD v4.1: 445 of 1,609,102 alleles (0.028%); highest among the groups gnomAD compares: African/African-American, 0.54%; 1 homozygote.

Submissions (8):

CeGaT Center for Human Genetics Tuebingen
Classification: Likely benign. Last evaluated: 2026-04-01. Review status: criteria provided, single submitter. Criteria: CeGaT Center For Human Genetics Tuebingen Variant Classification Criteria Version 2. Collection method: clinical testing. Allele origin: germline. Affected: yes. Observed: 1 variant allele.
Comment: SCN1A: BP4, BP7, BS1

Labcorp Genetics (formerly Invitae), Labcorp
Classification: Benign for Early-infantile DEE. Last evaluated: 2026-01-28. Review status: criteria provided, single submitter. Criteria: Invitae Variant Classification Sherloc (09022015). Collection method: clinical testing. Allele origin: germline.

Blueprint Genetics
Classification: Likely benign. Last evaluated: 2024-11-06. Review status: criteria provided, single submitter. Criteria: ACMG Guidelines, 2015. Collection method: clinical testing. Allele origin: germline.

Genetic Services Laboratory, University of Chicago
Classification: Benign. Last evaluated: 2017-11-20. Review status: criteria provided, single submitter. Criteria: ACMG Guidelines, 2015. Collection method: clinical testing. Allele origin: germline. Affected: no.

Ambry Genetics
Classification: Likely benign for Inborn genetic diseases. Last evaluated: 2016-08-29. Review status: criteria provided, single submitter. Criteria: Ambry Variant Classification Scheme 2023. Collection method: clinical testing. Allele origin: germline.

Eurofins Ntd Llc (ga)
Classification: Benign. Last evaluated: 2016-01-07. Review status: criteria provided, single submitter. Criteria: EGL Classification Definitions 2015. Collection method: clinical testing. Allele origin: germline. Observed: 1 variant allele, 1 heterozygote.

GeneDx
Classification: Benign. Last evaluated: 2013-07-25. Review status: criteria provided, single submitter. Criteria: GeneDx Variant Classification (06012015). Collection method: clinical testing. Allele origin: germline. Affected: yes.
Comment: This variant is considered likely benign or benign based on one or more of the following criteria: it is a conservative change, it occurs at a poorly conserved position in the protein, it is predicted to be benign by multiple in silico algorithms, and/or has population frequency not consistent with disease.

Breakthrough Genomics
Classification: Likely benign. Review status: criteria provided, single submitter. Criteria: ACMG Guidelines, 2015. Collection method: not provided. Allele origin: germline. Inheritance: Autosomal dominant inheritance. Affected: yes.

NM_001165963.4(SCN1A):c.4548G>A (p.Ser1516=)

Genes: SCN1A (sodium voltage-gated channel alpha subunit 1; minus strand), LOC102724058 (uncharacterized LOC102724058; plus strand). Cytogenetic location: 2q24.3.
Variant type: single nucleotide variant.
Coding change: c.4548G>A on transcript NM_001165963.4 (MANE Select); coding-DNA position 4548, G replaced by A.
Protein change: p.Ser1516=; no amino-acid change (serine 1516 retained).
Molecular consequence: synonymous variant. On other transcripts: non-coding transcript variant (1).
Genome position (GRCh38, 1-based): chr2:165,996,046, C>T on the plus strand (G>A on the coding strand, the complement: SCN1A is on the minus strand). VCF-style: chr2-165996046-C-T. GRCh37 (hg19) VCF-style: chr2-166852556-C-T.
Other names: p.S1516S:TCG>TCA; c.4464G>A, p.Ser1488= (NM_001165964.3, NM_001353957.2, NM_001353958.2); c.4548G>A, p.Ser1516= (NM_001202435.3, NM_001353948.2); c.4515G>A, p.Ser1505= (NM_001353949.2, NM_001353950.2, NM_001353951.2 and 2 more transcripts); c.4512G>A, p.Ser1504= (NM_001353954.2, NM_001353955.2); c.4461G>A, p.Ser1487= (NM_001353960.2); c.2106G>A, p.Ser702= (NM_001353961.2).
Identifiers: ClinVar variation 138984 (VCV000138984.27), dbSNP rs78041051, ClinGen allele CA302851.